The following is an entry in ClinVar:

ClinVar aggregate classification (germline): Uncertain significance. Review status: criteria provided, multiple submitters, no conflicts (2 of 4 stars). 4 submissions from 4 submitters: Uncertain significance (4). Last evaluated 2025-04-10.

Conditions:
SCP2-related disorder. Also called: SCP2-related condition.

Allele frequency attached by ClinVar (database versions not stated): ExAC 0.00001; gnomAD 0.00002; gnomAD exomes 0.00002 and 0.00005; TOPMed 0.00004.
gnomAD v4.1: 79 of 1,613,800 alleles (0.0049%); highest among the groups gnomAD compares: Non-Finnish European, 0.0061%; no homozygotes.

Submissions (4):

PreventionGenetics, part of Exact Sciences
Classification: Uncertain significance for SCP2-related condition. Last evaluated: 2025-04-10. Review status: criteria provided, single submitter. Criteria: ACMG Guidelines, 2015. Collection method: clinical testing. Allele origin: germline.
Comment: The SCP2 c.769C>G variant is predicted to result in the amino acid substitution p.Gln257Glu. To our knowledge, this variant has not been reported in the literature. This variant is reported in 0.0039% of alleles in individuals of European (Non-Finnish) descent in gnomAD. At this time, the clinical significance of this variant is uncertain due to the absence of conclusive functional and genetic evidence.

Ambry Genetics
Classification: Uncertain significance. Last evaluated: 2025-04-07. Review status: criteria provided, single submitter. Criteria: Ambry Variant Classification Scheme 2023. Collection method: clinical testing. Allele origin: germline.

Labcorp Genetics (formerly Invitae), Labcorp
Classification: Uncertain significance. Last evaluated: 2022-09-27. Review status: criteria provided, single submitter. Criteria: Invitae Variant Classification Sherloc (09022015). Collection method: clinical testing. Allele origin: germline.
Comment: This sequence change replaces glutamine, which is neutral and polar, with glutamic acid, which is acidic and polar, at codon 257 of the SCP2 protein (p.Gln257Glu). This variant is present in population databases (rs777134729, gnomAD 0.004%). This variant has not been reported in the literature in individuals affected with SCP2-related conditions. ClinVar contains an entry for this variant (Variation ID: 596764). Algorithms developed to predict the effect of missense changes on protein structure and function are either unavailable or do not agree on the potential impact of this missense change (SIFT: "Deleterious"; PolyPhen-2: "Probably Damaging"; Align-GVGD: "Class C0"). In summary, the available evidence is currently insufficient to determine the role of this variant in disease. Therefore, it has been classified as a Variant of Uncertain Significance.

Eurofins Ntd Llc (ga)
Classification: Uncertain significance. Last evaluated: 2018-04-05. Review status: criteria provided, single submitter. Criteria: EGL ClinVar v180209 classification definitions. Collection method: clinical testing. Allele origin: germline. Observed: 1 variant allele, 1 heterozygote.

NM_002979.5(SCP2):c.769C>G (p.Gln257Glu)

Gene: SCP2 (sterol carrier protein 2; plus strand). Cytogenetic location: 1p32.3.
Variant type: single nucleotide variant.
Coding change: c.769C>G on transcript NM_002979.5 (MANE Select); coding-DNA position 769, C replaced by G.
Protein change: p.Gln257Glu; replaces glutamine 257 with glutamic acid.
Molecular consequence: missense variant.
Genome position (GRCh38, 1-based): chr1:52,978,311, C>G. VCF-style: chr1-52978311-C-G. GRCh37 (hg19) VCF-style: chr1-53443983-C-G.
Other names: c.637C>G, p.Gln213Glu (NM_001007098.3, NM_001193600.2); c.697C>G, p.Gln233Glu (NM_001193599.2); c.526C>G, p.Gln176Glu (NM_001193617.2); c.769C>G, p.Gln257Glu (NM_001330587.2); c.769C>G (NM_002979.4); short protein forms Q257E, Q176E, Q233E, Q213E.
Identifiers: ClinVar variation 596764 (VCV000596764.8), dbSNP rs777134729, ClinGen allele CA857224.
Genomic context (GRCh38, chr1:52,978,311, plus strand): 5'-GCCAGTGAAGCATTTGTACAGAAGTATGGCCTGCAATCCAAAGCTGTGGAAATTTTGGCA[C>G]AAGAAATGATGACTGATTTGCCAAGCTCGTTTGAAGAAAAAAGCATTATTAAAATGGTAT-3'
Protein context (NP_002970.2, residues 247-267): LQSKAVEILA[Gln257Glu]EMMTDLPSSF